The following is an entry in ClinVar:

ClinVar aggregate classification (germline): Likely benign. Review status: criteria provided, multiple submitters, no conflicts (2 of 4 stars). 2 submissions from 2 submitters: Likely benign (2). Last evaluated 2026-02-06.

Conditions:
Hereditary cancer-predisposing syndrome. Also called: Tumor predisposition; Hereditary Cancer Syndrome; Neoplastic Syndromes, Hereditary; Hereditary neoplastic syndrome. Identifiers: Orphanet 140162, MedGen C0027672, MeSH D009386, MONDO:0015356.

Submissions (2):

Ambry Genetics
Classification: Likely benign for Hereditary cancer-predisposing syndrome. Last evaluated: 2026-02-06. Review status: criteria provided, single submitter. Criteria: Ambry Variant Classification Scheme 2023. Collection method: clinical testing. Allele origin: germline.

GeneDx
Classification: Likely benign. Last evaluated: 2017-05-26. Review status: criteria provided, single submitter. Criteria: GeneDx Variant Classification (06012015). Collection method: clinical testing. Allele origin: germline. Affected: yes.
Comment: This variant is considered likely benign or benign based on one or more of the following criteria: it is a conservative change, it occurs at a poorly conserved position in the protein, it is predicted to be benign by multiple in silico algorithms, and/or has population frequency not consistent with disease.

NM_000179.3(MSH6):c.1827A>C (p.Leu609=)

Gene: MSH6 (mutS homolog 6; plus strand). Cytogenetic location: 2p16.3.
Variant type: single nucleotide variant.
Coding change: c.1827A>C on transcript NM_000179.3 (MANE Select); coding-DNA position 1827, A replaced by C.
Protein change: p.Leu609=; no amino-acid change (leucine 609 retained).
Molecular consequence: synonymous variant.
Genome position (GRCh38, 1-based): chr2:47,799,810, A>C. VCF-style: chr2-47799810-A-C. GRCh37 (hg19) VCF-style: chr2-48026949-A-C.
Other names: c.1437A>C, p.Leu479= (NM_001281492.2); c.921A>C, p.Leu307= (NM_001281493.2, NM_001281494.2).
Identifiers: ClinVar variation 509745 (VCV000509745.2), dbSNP rs767064953, ClinGen allele CA426121192.